The following is an entry in ClinVar:

NM_001244008.2(KIF1A):c.305G>A (p.Gly102Asp)

Gene: KIF1A (kinesin family member 1A; minus strand). Cytogenetic location: 2q37.3.
Variant type: single nucleotide variant.
Coding change: c.305G>A on transcript NM_001244008.2 (MANE Select); coding-DNA position 305, G replaced by A.
Protein change: p.Gly102Asp; replaces glycine 102 with aspartic acid.
Molecular consequence: missense variant.
Genome position (GRCh38, 1-based): chr2:240,788,109, C>T on the plus strand (G>A on the coding strand, the complement: KIF1A is on the minus strand). VCF-style: chr2-240788109-C-T. GRCh37 (hg19) VCF-style: chr2-241727526-C-T.
Other names: c.305G>A, p.Gly102Asp (NM_001320705.2, NM_001330289.2, NM_001330290.2 and 20 more transcripts); short protein forms G102D.
Identifiers: ClinVar variation 162053 (VCV000162053.3), dbSNP rs672601363, ClinGen allele CA212615.

ClinVar aggregate classification (germline): Likely pathogenic. Review status: criteria provided, single submitter (1 of 4 stars). 2 submissions from 2 submitters: Likely pathogenic (1). 1 of the submissions does not count toward it. Last evaluated 2020-06-15.

Conditions:
Intellectual disability, autosomal dominant 9 (NESCAVS). Also called: NESCAV SYNDROME; KIF1A-Related Neurodevelopmental Disorder. Identifiers: Orphanet 662367, MedGen C5393830, MONDO:0013656, OMIM 614255.

Submissions (2):

SIB Swiss Institute of Bioinformatics
Classification: Likely pathogenic for Intellectual disability, autosomal dominant 9. Last evaluated: 2020-06-15. Review status: criteria provided, single submitter. Criteria: ACMG Guidelines, 2015. Collection method: curation. Allele origin: unknown.
Comment: This variant is interpreted as likely pathogenic for NESCAV syndrome, autosomal dominant. The following ACMG Tag(s) were applied: Absent from controls (or at extremely low frequency if recessive) in Exome Sequencing Project, 1000 Genomes Project, or Exome Aggregation Consortium (PM2); Assumed de novo, but no confirmation of paternity and maternity (PM6); Missense variant in a gene that has a low rate of benign missense variation and in which missense variants are a common mechanism of disease (PP2); Multiple lines of computational evidence support a deleterious effect on the gene or gene product (PP3); Located in a mutational hot spot and/or critical and well-established functional domain (located in the ATP binding region) without benign variation (PM1); Novel missense change at an amino acid residue where a different missense change determined to be pathogenic has been seen before.

CHU Sainte-Justine Research Center, University of Montreal
Classification: Likely pathogenic for Mental retardation, autosomal dominant 9. Last evaluated: 2014-01-01. Review status: no assertion criteria provided. Collection method: clinical testing. Allele origin: de novo. Inheritance: Sporadic. Affected: yes. Observed: 1 variant allele, 1 heterozygote. Not counted in ClinVar's aggregate classification.

Literature cited by the submitters: PubMed 25265257 (cited by SIB Swiss Institute of Bioinformatics and CHU Sainte-Justine Research Center, University of Montreal).